The following is an entry in ClinVar:

ClinVar aggregate classification (germline): Uncertain significance (1 of 4 stars; one submission).

Submission:

GeneDx
Classification: Uncertain significance. Last evaluated: 2025-01-21. Review status: criteria provided, single submitter. Criteria: GeneDx Variant Classification Process June 2021. Collection method: clinical testing. Allele origin: germline. Affected: yes.
Comment: Not observed at significant frequency in large population cohorts (gnomAD); In silico analysis supports that this missense variant has a deleterious effect on protein structure/function; Has not been previously published as pathogenic or benign to our knowledge; This variant is associated with the following publications: (PMID: House_2011_Thesis)

NM_006922.4(SCN3A):c.3678A>T (p.Glu1226Asp)

Gene: SCN3A (sodium voltage-gated channel alpha subunit 3; minus strand). Cytogenetic location: 2q24.3.
Variant type: single nucleotide variant.
Coding change: c.3678A>T on transcript NM_006922.4 (MANE Select); coding-DNA position 3678, A replaced by T.
Protein change: p.Glu1226Asp; replaces glutamic acid 1226 with aspartic acid.
Molecular consequence: missense variant.
Genome position (GRCh38, 1-based): chr2:165,113,050, T>A on the plus strand (A>T on the coding strand, the complement: SCN3A is on the minus strand). VCF-style: chr2-165113050-T-A. GRCh37 (hg19) VCF-style: chr2-165969560-T-A.
Other names: c.3531A>T, p.Glu1177Asp (NM_001081676.2, NM_001081677.2); short protein forms E1177D, E1226D.
Identifiers: ClinVar variation 2501434 (VCV002501434.2), dbSNP rs1686196404, ClinGen allele CA349032983.
Genomic context (GRCh38, chr2:165,113,050, plus strand): 5'-GACTTTGTCAGCATATTCTAGCATGGTTTTGATAGTCTTTCGCTGTTCAATGTATATATC[T>A]TCAAAGGCCTATGAATCAAAAATATTTTATTTTACTTAAATGGCTTGCTTCTTCTAAATA-3'
Protein context (NP_008853.3, residues 1216-1236): ILLSSGALAF[Glu1226Asp]DIYIEQRKTI